The following is an entry in ClinVar:

ClinVar aggregate classification (germline): Likely benign. Review status: criteria provided, multiple submitters, no conflicts (2 of 4 stars). 2 submissions from 2 submitters: Likely benign (2). Last evaluated 2024-04-17.

Conditions:
Hypokalemic periodic paralysis, type 1. Also called: Hypokalemic Periodic Paralysis Type 1 (AD); HypoPP. Identifiers: Orphanet 681, MedGen C3714580, MONDO:0042979, OMIM 170400.
Malignant hyperthermia, susceptibility to, 5 (MHS5). Also called: CACNA1S-Related Malignant Hyperthermia Susceptibility. Identifiers: Orphanet 423, MedGen C1866077, MONDO:0011163, OMIM 601887.

Allele frequency attached by ClinVar (database versions not stated): gnomAD 0.00001; gnomAD exomes 0.00001 and 0.00002; ExAC 0.00004.
gnomAD v4.1: 16 of 1,613,694 alleles (0.00099%); highest among the groups gnomAD compares: Non-Finnish European, 0.0013%; no homozygotes.

Submissions (2):

Labcorp Genetics (formerly Invitae), Labcorp
Classification: Likely benign for Hypokalemic periodic paralysis, type 1; Malignant hyperthermia, susceptibility to, 5. Last evaluated: 2024-04-17. Review status: criteria provided, single submitter. Criteria: Invitae Variant Classification Sherloc (09022015). Collection method: clinical testing. Allele origin: germline.

All of Us Research Program, National Institutes of Health
Classification: Likely benign for Malignant hyperthermia, susceptibility to, 5. Last evaluated: 2023-02-24. Review status: criteria provided, single submitter. Criteria: ACMG Guidelines, 2015. Collection method: clinical testing. Allele origin: germline. Inheritance: Autosomal dominant inheritance. Observed: 1 variant allele, 1 heterozygote.
Comment: This study involves interpretation of variants in research participants for the purpose of population health screening. Participant phenotype was not available at the time of variant classification. Additional details can be found in publication PMID: 35346344, PMCID: PMC8962531

NM_000069.3(CACNA1S):c.4770G>A (p.Glu1590=)

Gene: CACNA1S (calcium voltage-gated channel subunit alpha1 S; minus strand). Cytogenetic location: 1q32.1.
Variant type: single nucleotide variant.
Coding change: c.4770G>A on transcript NM_000069.3 (MANE Select); coding-DNA position 4770, G replaced by A.
Protein change: p.Glu1590=; no amino-acid change (glutamic acid 1590 retained).
Molecular consequence: synonymous variant.
Genome position (GRCh38, 1-based): chr1:201,044,355, C>T on the plus strand (G>A on the coding strand, the complement: CACNA1S is on the minus strand). VCF-style: chr1-201044355-C-T. GRCh37 (hg19) VCF-style: chr1-201013483-C-T.
Identifiers: ClinVar variation 798455 (VCV000798455.10), dbSNP rs756402603, ClinGen allele CA083567.